The following is an entry in ClinVar:

NM_000245.4(MET):c.2510A>G (p.His837Arg)

Gene: MET (MET proto-oncogene, receptor tyrosine kinase; plus strand). Cytogenetic location: 7q31.2.
Variant type: single nucleotide variant.
Coding change: c.2510A>G on transcript NM_000245.4 (MANE Select); coding-DNA position 2510, A replaced by G.
Protein change: p.His837Arg; replaces histidine 837 with arginine.
Molecular consequence: missense variant.
Genome position (GRCh38, 1-based): chr7:116,763,195, A>G. VCF-style: chr7-116763195-A-G. GRCh37 (hg19) VCF-style: chr7-116403249-A-G.
Other names: c.2564A>G, p.His855Arg (NM_001127500.3); c.2510A>G, p.His837Arg (NM_001324401.3); c.1220A>G, p.His407Arg (NM_001324402.2); short protein forms H855R, H407R, H837R.
Identifiers: ClinVar variation 847503 (VCV000847503.16), dbSNP rs1041349799, ClinGen allele CA164897796.

ClinVar aggregate classification (germline): Uncertain significance. Review status: criteria provided, multiple submitters, no conflicts (2 of 4 stars). 5 submissions from 5 submitters: Uncertain significance (5). Last evaluated 2025-07-07.

Conditions:
Renal cell carcinoma. Identifiers: Orphanet 217071, MedGen C0007134, MeSH D002292, MONDO:0005086, HP:0005584.
Autosomal recessive nonsyndromic hearing loss 97. Also called: Deafness, autosomal recessive 97. Identifiers: Orphanet 90636, MedGen C4084709, MONDO:0014739, OMIM 616705.
Hereditary cancer-predisposing syndrome. Also called: Tumor predisposition; Hereditary neoplastic syndrome; Neoplastic Syndromes, Hereditary; Hereditary Cancer Syndrome. Identifiers: Orphanet 140162, MedGen C0027672, MeSH D009386, MONDO:0015356.
Papillary renal cell carcinoma type 1 (RCCP1). Also called: RENAL CELL CARCINOMA, PAPILLARY, 1, SOMATIC; Renal adenocarcinoma; Renal cell carcinoma 1; Renal cell carcinoma, somatic. Identifiers: Orphanet 47044, MedGen C1336839, OMIM 605074, HP:0011797.

Allele frequency attached by ClinVar (database versions not stated): gnomAD exomes below 0.00001; TOPMed 0.00001.
gnomAD v4.1: 3 of 1,614,056 alleles (0.00019%); highest among the groups gnomAD compares: Non-Finnish European, 0.00025%; no homozygotes.

Submissions (5):

Labcorp Genetics (formerly Invitae), Labcorp
Classification: Uncertain significance for Renal cell carcinoma. Last evaluated: 2025-07-07. Review status: criteria provided, single submitter. Criteria: Invitae Variant Classification Sherloc (09022015). Collection method: clinical testing. Allele origin: germline.
Comment: This sequence change replaces histidine, which is basic and polar, with arginine, which is basic and polar, at codon 855 of the MET protein (p.His855Arg). This variant is present in population databases (no rsID available, gnomAD 0.0009%). This variant has not been reported in the literature in individuals affected with MET-related conditions. ClinVar contains an entry for this variant (Variation ID: 847503). An algorithm developed to predict the effect of missense changes on protein structure and function (PolyPhen-2) suggests that this variant is likely to be disruptive. In summary, the available evidence is currently insufficient to determine the role of this variant in disease. Therefore, it has been classified as a Variant of Uncertain Significance.

Ambry Genetics
Classification: Uncertain significance for Hereditary cancer-predisposing syndrome. Last evaluated: 2023-12-28. Review status: criteria provided, single submitter. Criteria: Ambry Variant Classification Scheme 2023. Collection method: clinical testing. Allele origin: germline.
Comment: The p.H855R variant (also known as c.2564A>G), located in coding exon 10 of the MET gene, results from an A to G substitution at nucleotide position 2564. The histidine at codon 855 is replaced by arginine, an amino acid with highly similar properties. This amino acid position is well conserved in available vertebrate species. In addition, this alteration is predicted to be tolerated by in silico analysis. Since supporting evidence is limited at this time, the clinical significance of this alteration remains unclear.

Baylor Genetics
Classification: Uncertain significance for Autosomal recessive nonsyndromic hearing loss 97. Last evaluated: 2023-11-14. Review status: criteria provided, single submitter. Criteria: ACMG Guidelines, 2015. Collection method: clinical testing. Allele origin: unknown.

Mendelics
Classification: Uncertain significance. Last evaluated: 2022-05-04. Review status: criteria provided, single submitter. Criteria: Mendelics Assertion Criteria 2019. Collection method: clinical testing. Allele origin: germline.

Illumina Laboratory Services, Illumina
Classification: Uncertain significance for Papillary renal cell carcinoma type 1. Last evaluated: 2018-01-13. Review status: criteria provided, single submitter. Criteria: ICSL Variant Classification Criteria 13 December 2019. Collection method: clinical testing. Allele origin: germline.